The following is an entry in ClinVar:

NM_003801.4(GPAA1):c.140G>A (p.Arg47His)

Gene: GPAA1 (glycosylphosphatidylinositol anchor attachment 1; plus strand). Cytogenetic location: 8q24.3.
Variant type: single nucleotide variant.
Coding change: c.140G>A on transcript NM_003801.4 (MANE Select); coding-DNA position 140, G replaced by A.
Protein change: p.Arg47His; replaces arginine 47 with histidine.
Molecular consequence: missense variant.
Genome position (GRCh38, 1-based): chr8:144,083,189, G>A. VCF-style: chr8-144083189-G-A. GRCh37 (hg19) VCF-style: chr8-145138092-G-A.
Other names: short protein forms R47H.
Identifiers: ClinVar variation 1490840 (VCV001490840.6), dbSNP rs1554763766, ClinGen allele CA372597486.
Genomic context (GRCh38, chr8:144,083,189, plus strand): 5'-TGAGCTACGTGGCGGGCATCGCCTGGTTCTTGGCGCTGGTTTTCCCGCCGCTGACCCAGC[G>A]CACTTACATGTCGGAGAACGCCATGGGCTCCACCATGGTGGAGGAGCAGTTTGCGGGCGG-3'
Protein context (NP_003792.1, residues 37-57): LALVFPPLTQ[Arg47His]TYMSENAMGS

ClinVar aggregate classification (germline): Uncertain significance (1 of 4 stars; one submission).

Allele frequency attached by ClinVar (database versions not stated): gnomAD exomes below 0.00001; TOPMed 0.00002.
gnomAD v4.1: 2 of 1,613,080 alleles (0.00012%); highest among the groups gnomAD compares: Admixed American, 0.0017%; no homozygotes.

Submission:

Labcorp Genetics (formerly Invitae), Labcorp
Classification: Uncertain significance. Last evaluated: 2024-10-15. Review status: criteria provided, single submitter. Criteria: Invitae Variant Classification Sherloc (09022015). Collection method: clinical testing. Allele origin: germline.
Comment: This sequence change replaces arginine, which is basic and polar, with histidine, which is basic and polar, at codon 47 of the GPAA1 protein (p.Arg47His). This variant is present in population databases (no rsID available, gnomAD 0.003%). This variant has not been reported in the literature in individuals affected with GPAA1-related conditions. ClinVar contains an entry for this variant (Variation ID: 1490840). Invitae Evidence Modeling of protein sequence and biophysical properties (such as structural, functional, and spatial information, amino acid conservation, physicochemical variation, residue mobility, and thermodynamic stability) indicates that this missense variant is not expected to disrupt GPAA1 protein function with a negative predictive value of 80%. In summary, the available evidence is currently insufficient to determine the role of this variant in disease. Therefore, it has been classified as a Variant of Uncertain Significance.